The following is an entry in ClinVar:

ClinVar aggregate classification (germline): Uncertain significance. Review status: criteria provided, multiple submitters, no conflicts (2 of 4 stars). 2 submissions from 2 submitters: Uncertain significance (2). Last evaluated 2023-12-13.

Conditions:
Cardiomyopathy (CMYO). Also called: Cardiomyopathies. Identifiers: Orphanet 167848, MedGen C0878544, MONDO:0004994, HP:0001638. Inheritance: Various modes of inheritance.
Hypertrophic cardiomyopathy. Also called: HYPERTROPHIC MYOCARDIOPATHY. Identifiers: Orphanet 217569, MedGen C0007194, MeSH D002312, MONDO:0005045, HP:0001639.

Submissions (2):

All of Us Research Program, National Institutes of Health
Classification: Uncertain significance for Cardiomyopathy. Last evaluated: 2023-12-13. Review status: criteria provided, single submitter. Criteria: ACMG Guidelines, 2015. Collection method: clinical testing. Allele origin: germline. Inheritance: Autosomal dominant inheritance. Observed: 1 variant allele, 1 heterozygote.
Comment: This missense variant replaces arginine with leucine at codon 1382 of the MYH7 protein. Computational prediction suggests that this variant may have deleterious impact on protein structure and function (internally defined REVEL score threshold >= 0.7, PMID: 27666373). To our knowledge, functional studies have not been reported for this variant. This variant has not been reported in individuals affected with MYH7-related disorders in the literature. This variant has not been identified in the general population by the Genome Aggregation Database (gnomAD). The available evidence is insufficient to determine the role of this variant in disease conclusively. Therefore, this variant is classified as a Variant of Uncertain Significance.

This study involves interpretation of variants in research participants for the purpose of population health screening. Participant phenotype was not available at the time of variant classification. Additional details can be found in publication PMID: 35346344, PMCID: PMC8962531

Labcorp Genetics (formerly Invitae), Labcorp
Classification: Uncertain significance for Hypertrophic cardiomyopathy. Last evaluated: 2020-05-31. Review status: criteria provided, single submitter. Criteria: Invitae Variant Classification Sherloc (09022015). Collection method: clinical testing. Allele origin: germline.
Comment: This variant has not been reported in the literature in individuals with MYH7-related conditions. In summary, the available evidence is currently insufficient to determine the role of this variant in disease. Therefore, it has been classified as a Variant of Uncertain Significance. This variant disrupts the p.Arg1382 amino acid residue in MYH7. Other variant(s) that disrupt this residue have been observed in individuals with MYH7-related conditions (PMID: 23283745), which suggests that this may be a clinically significant amino acid residue. Algorithms developed to predict the effect of missense changes on protein structure and function are either unavailable or do not agree on the potential impact of this missense change (SIFT: "Deleterious"; PolyPhen-2: "Probably Damaging"; Align-GVGD: "Class C0"). This variant is not present in population databases (ExAC no frequency). This sequence change replaces arginine with leucine at codon 1382 of the MYH7 protein (p.Arg1382Leu). The arginine residue is highly conserved and there is a moderate physicochemical difference between arginine and leucine.

Literature cited by the submitters: PubMed 23283745 (cited by Labcorp Genetics (formerly Invitae), Labcorp).

NM_000257.4(MYH7):c.4145G>T (p.Arg1382Leu)

Gene: MYH7 (myosin heavy chain 7; minus strand). Cytogenetic location: 14q11.2.
Variant type: single nucleotide variant.
Coding change: c.4145G>T on transcript NM_000257.4 (MANE Select); coding-DNA position 4145, G replaced by T.
Protein change: p.Arg1382Leu; replaces arginine 1382 with leucine.
Molecular consequence: missense variant.
Genome position (GRCh38, 1-based): chr14:23,418,234, C>A on the plus strand (G>T on the coding strand, the complement: MYH7 is on the minus strand). VCF-style: chr14-23418234-C-A. GRCh37 (hg19) VCF-style: chr14-23887443-C-A.
Other names: short protein forms R1382L.
Identifiers: ClinVar variation 1043587 (VCV001043587.9), dbSNP rs727504325, ClinGen allele CA389040781.